The following is an entry in ClinVar:

NM_000393.5(COL5A2):c.3309G>A (p.Pro1103=)

Gene: COL5A2 (collagen type V alpha 2 chain; minus strand). Cytogenetic location: 2q32.2.
Variant type: single nucleotide variant.
Coding change: c.3309G>A on transcript NM_000393.5 (MANE Select); coding-DNA position 3309, G replaced by A.
Protein change: p.Pro1103=; no amino-acid change (proline 1103 retained).
Molecular consequence: synonymous variant.
Genome position (GRCh38, 1-based): chr2:189,045,800, C>T on the plus strand (G>A on the coding strand, the complement: COL5A2 is on the minus strand). VCF-style: chr2-189045800-C-T. GRCh37 (hg19) VCF-style: chr2-189910526-C-T.
Other names: c.3309G>A (NM_000393.4).
Identifiers: ClinVar variation 237775 (VCV000237775.22), dbSNP rs878853978, ClinGen allele CA10581908.

ClinVar aggregate classification (germline): Conflicting classifications of pathogenicity. Review status: criteria provided, conflicting classifications (1 of 4 stars). 6 submissions from 6 submitters: Pathogenic (1); Likely pathogenic (2); Uncertain significance (3). Last evaluated 2026-06-11.

Conditions:
Ehlers-Danlos syndrome, classic type, 1 (EDSCL1). Also called: Ehlers-Danlos Syndrome, Classic Type, COL5A1-Related; EHLERS-DANLOS SYNDROME, GRAVIS TYPE; EHLERS-DANLOS SYNDROME, SEVERE CLASSIC TYPE; Ehlers-Danlos syndrome, type 1; EDS I. Identifiers: MedGen C0268335, MONDO:0019567, OMIM 130000.
Ehlers-Danlos syndrome, classic type, 2 (EDSCL2). Also called: Ehlers-Danlos Syndrome, Classic Type, COL5A2-Related; Ehlers-Danlos syndrome type 2 (formerly); Ehlers-Danlos syndrome, type 2. Identifiers: Orphanet 287, Orphanet 90318, MedGen C0268336, MONDO:0019568, OMIM 130010.
Familial thoracic aortic aneurysm and aortic dissection (TAAD). Also called: Thoracic aortic aneurysms and dissections. Identifiers: Orphanet 91387, MedGen C4707243, MONDO:0019625.

Submissions (6):

Ambry Genetics
Classification: Uncertain significance for Familial thoracic aortic aneurysm and aortic dissection. Last evaluated: 2026-06-11. Review status: criteria provided, single submitter. Criteria: Ambry Variant Classification Scheme 2023. Collection method: clinical testing. Allele origin: germline.
Comment: The c.3309G>A (p.P1103P) alteration is located in exon 46 (coding exon 46) of the COL5A2 gene. This alteration consists of a G to A substitution at nucleotide position 3309. This nucleotide substitution does not change the amino acid at codon 1103. However, this change occurs in the last nucleotide of exon 46 which makes it likely to have some effect on normal mRNA splicing. This variant was not reported in population-based cohorts in the Genome Aggregation Database (gnomAD). This variant was determined to be de novo in at least one individual with features consistent with COL5A2-related classic Ehlers-Danlos syndrome (external communication). This nucleotide position is not well conserved in available vertebrate species. In silico splice site analysis predicts that this alteration will not have any significant effect on splicing. Based on insufficient or conflicting evidence, the clinical significance of this alteration remains unclear.

Labcorp Genetics (formerly Invitae), Labcorp
Classification: Pathogenic for Ehlers-Danlos syndrome, classic type, 1. Last evaluated: 2025-11-16. Review status: criteria provided, single submitter. Criteria: Invitae Variant Classification Sherloc (09022015). Collection method: clinical testing. Allele origin: germline.
Comment: This sequence change affects codon 1103 of the COL5A2 mRNA. It is a 'silent' change, meaning that it does not change the encoded amino acid sequence of the COL5A2 protein. This variant also falls at the last nucleotide of exon 46, which is part of the consensus splice site for this exon. This variant is not present in population databases (gnomAD no frequency). This variant has been observed in individual(s) with COL5A2-related disease (internal data). In at least one individual the variant was observed to be de novo. ClinVar contains an entry for this variant (Variation ID: 237775). Variants that disrupt the consensus splice site are a relatively common cause of aberrant splicing (PMID: 17576681, 9536098). Algorithms developed to predict the effect of sequence changes on RNA splicing suggest that this variant may disrupt the consensus splice site. For these reasons, this variant has been classified as Pathogenic.

GeneDx
Classification: Uncertain significance. Last evaluated: 2025-04-17. Review status: criteria provided, single submitter. Criteria: GeneDx Variant Classification Process June 2021. Collection method: clinical testing. Allele origin: germline. Affected: yes.
Comment: In silico analysis indicates that this variant does not alter splicing; however, RNA analysis on patient-derived fibroblasts detected aberrant splicing with skipping of exon 46 in COL5A2 in a non-peer reviewed abstract (PMID: 37650038); Not observed at significant frequency in large population cohorts (gnomAD); This variant is associated with the following publications: (PMID: 37650038)

Victorian Clinical Genetics Services, Murdoch Childrens Research Institute
Classification: Likely pathogenic for Ehlers-Danlos syndrome, classic type, 2. Last evaluated: 2024-10-08. Review status: criteria provided, single submitter. Criteria: ACMG Guidelines, 2015. Collection method: clinical testing. Allele origin: germline. Inheritance: Autosomal dominant inheritance. Affected: yes.
Comment: Based on the classification scheme VCGS_Germline_v1.3.4, this variant is classified as Likely pathogenic. Following criteria are met: 0104 - Dominant negative is a likely mechanism of disease in this gene and is associated with classic type Ehlers-Danlos syndrome 2 (MIM#130010) (GeneReviews; PMIDs: 23587214, 20847697). (I) 0107 - This gene is associated with autosomal dominant disease. (I) 0115 - Variants in this gene are known to have variable expressivity. Intrafamilial and interfamilial phenotypic variability have been reported (GeneReviews, PMID: 20847697). (I) 0212 - Non-canonical splice site variant without proven consequence on splicing (no functional evidence available). (SP) 0251 - This variant is heterozygous. (I) 0301 - Variant is absent from gnomAD (both v2 and v3). (SP) 0506 - Abnormal splicing is not predicted and nucleotide is poorly conserved. (SB) 0604 - Variant is not located in an established domain, motif, hotspot or informative constraint region. (I) 0705 - No comparable splice variants have previous evidence for pathogenicity. (I) 0802 - This variant has moderate previous evidence of pathogenicity in unrelated individuals. This variant has been reported as a VUS, likely pathogenic and pathogenic, and was observed as de novo in at least one of the reported individuals, who presented with joint hypermobility, significant scoliosis, pectus excavatum, and pes planus (ClinVar, personal communication). (SP) 0905 - No published segregation evidence has been identified for this variant. (I) 1007 - No published functional evidence has been identified for this variant. (SP) Legend: (SP) - Supporting pathogenic, (I) - Information, (SB) - Supporting benign

Revvity Omics, Revvity
Classification: Likely pathogenic for Ehlers-Danlos syndrome, classic type, 2. Last evaluated: 2020-05-28. Review status: criteria provided, single submitter. Criteria: ACMG Guidelines, 2015. Collection method: clinical testing. Allele origin: germline.

Neuberg Centre For Genomic Medicine, NCGM
Classification: Uncertain significance for Ehlers-Danlos syndrome, classic type, 2. Review status: criteria provided, single submitter. Criteria: ACMG Guidelines, 2015. Collection method: clinical testing. Allele origin: germline. Affected: yes.
Comment: The synonymous variant p.P1103= in COL5A2 (NM_000393.5) has been submitted to ClinVar as a Pathogenic de novo variant but no details are available for independent assesment. It has not been reported in affected individuals in literature. The p.P1103= variant is novel (not in any individuals) in gnomAD Exomes and is novel (not in any individuals) in 1000 Genomes. In silico splice algorithms do not predict a damaging effect. For these reasons, this variant has been classified as Uncertain significance.

Literature cited by the submitters: PubMed 17576681 (cited by Labcorp Genetics (formerly Invitae), Labcorp); PubMed 9536098 (cited by Labcorp Genetics (formerly Invitae), Labcorp); PubMed 20847697 (cited by Victorian Clinical Genetics Services, Murdoch Childrens Research Institute); PubMed 23587214 (cited by Victorian Clinical Genetics Services, Murdoch Childrens Research Institute).